The following is an entry in ClinVar:

ClinVar aggregate classification (germline): Pathogenic. Review status: criteria provided, single submitter (1 of 4 stars). 3 submissions from 3 submitters: Pathogenic (1). 2 of the submissions do not count toward it.

Conditions:
Infantile-onset ascending hereditary spastic paralysis (IAHSP). Also called: Autosomal Recessive Juvenile Amyotrophic Lateral Sclerosis; Infantile-Onset Ascending Hereditary Spastic Paralysis (IAHSP). Identifiers: Orphanet 293168, MedGen C2931441, MONDO:0011797, OMIM 607225. Disease mechanism: loss of function.

Submissions (3):

Paris Brain Institute, Inserm - ICM
Classification: Pathogenic for Infantile-onset ascending hereditary spastic paralysis. Review status: criteria provided, single submitter. Criteria: ACMG Guidelines, 2015. Collection method: clinical testing. Allele origin: unknown. Affected: yes. Observed: 2 variant alleles.

GeneReviews
Classification: Pathogenic for ALS2-Related Disorders. Last evaluated: 2011-02-10. Review status: no assertion criteria provided. Collection method: curation. Allele origin: unknown. Not counted in ClinVar's aggregate classification.
ClinVar note: Converted during submission from pathologic to Pathogenic.

OMIM
Classification: Pathogenic for SPASTIC PARALYSIS, INFANTILE-ONSET ASCENDING. Last evaluated: 2002-09-01. Review status: no assertion criteria provided. Collection method: literature only. Allele origin: germline. Not counted in ClinVar's aggregate classification.

Literature cited by the submitters: PubMed 12145748 (cited by OMIM).

NM_020919.4(ALS2):c.3619del (p.Lys1206_Met1207insTer)

Gene: ALS2 (alsin Rho guanine nucleotide exchange factor ALS2; minus strand). Cytogenetic location: 2q33.1.
Variant type: Deletion.
Coding change: c.3619del on transcript NM_020919.4 (MANE Select); coding-DNA position 3619, one base deleted (A; older notation c.3619delA).
Protein change: p.Lys1206_Met1207insTer.
Molecular consequence: nonsense.
Genome position (GRCh38, 1-based): chr2:201,723,335, T deleted on the plus strand (A on the coding strand, the reverse complement: ALS2 is on the minus strand); the first of 4 consecutive T bases (chr2:201,723,335-201,723,338); deleting any one gives the same sequence. VCF-style (leftmost placement, unchanged base first): chr2-201723334-AT-A. GRCh37 (hg19) VCF-style: chr2-202588057-AT-A.
Other names: c.3619delA(3742delA).
Identifiers: ClinVar variation 4408 (VCV000004408.5), dbSNP rs386134187, ClinGen allele CA340241.